The following is an entry in ClinVar:

ClinVar aggregate classification (germline): Benign/Likely benign. Review status: criteria provided, multiple submitters, no conflicts (2 of 4 stars). 4 submissions from 4 submitters: Benign (1); Likely benign (3). Last evaluated 2024-06-26.

Conditions:
Classic or attenuated familial adenomatous polyposis. Identifiers: MedGen CN372698, MONDO:0021057.
Hereditary cancer-predisposing syndrome. Also called: Hereditary Cancer Syndrome; Tumor predisposition; Hereditary neoplastic syndrome; Neoplastic Syndromes, Hereditary. Identifiers: Orphanet 140162, MedGen C0027672, MeSH D009386, MONDO:0015356.
Familial adenomatous polyposis 1 (FAP1). Also called: FAMILIAL ADENOMATOUS POLYPOSIS 1, ATTENUATED; POLYPOSIS, ADENOMATOUS INTESTINAL. Identifiers: MedGen C2713442, MONDO:0021056, OMIM 175100. Disease mechanism: loss of function.

Submissions (4):

Labcorp Genetics (formerly Invitae), Labcorp
Classification: Likely benign for Familial adenomatous polyposis 1. Last evaluated: 2024-06-26. Review status: criteria provided, single submitter. Criteria: Invitae Variant Classification Sherloc (09022015). Collection method: clinical testing. Allele origin: germline.

Ambry Genetics
Classification: Likely benign for Hereditary cancer-predisposing syndrome. Last evaluated: 2024-06-21. Review status: criteria provided, single submitter. Criteria: Ambry Variant Classification Scheme 2023. Collection method: clinical testing. Allele origin: germline.

All of Us Research Program, National Institutes of Health
Classification: Likely benign for Classic or attenuated familial adenomatous polyposis. Last evaluated: 2024-05-14. Review status: criteria provided, single submitter. Criteria: ACMG Guidelines, 2015. Collection method: clinical testing. Allele origin: germline. Inheritance: Autosomal dominant inheritance. Observed: 1 variant allele, 1 heterozygote.
Comment: This study involves interpretation of variants in research participants for the purpose of population health screening. Participant phenotype was not available at the time of variant classification. Additional details can be found in publication PMID: 35346344, PMCID: PMC8962531

Myriad Genetics, Inc.
Classification: Benign for Familial adenomatous polyposis 1. Last evaluated: 2024-04-08. Review status: criteria provided, single submitter. Criteria: Myriad Autosomal Dominant, Autosomal Recessive and X-Linked Classification Criteria (2023). Collection method: clinical testing. Allele origin: unknown.
Comment: This variant is considered benign. This variant is a silent/synonymous amino acid change and it is not expected to impact splicing.

NM_000038.6(APC):c.6909A>T (p.Gly2303=)

Gene: APC (APC regulator of Wnt signaling pathway; plus strand). Cytogenetic location: 5q22.2.
Variant type: single nucleotide variant.
Coding change: c.6909A>T on transcript NM_000038.6 (MANE Select); coding-DNA position 6909, A replaced by T.
Protein change: p.Gly2303=; no amino-acid change (glycine 2303 retained).
Molecular consequence: synonymous variant. On other transcripts: non-coding transcript variant (2).
Genome position (GRCh38, 1-based): chr5:112,842,503, A>T. VCF-style: chr5-112842503-A-T. GRCh37 (hg19) VCF-style: chr5-112178200-A-T.
Other names: c.6909A>T, p.Gly2303= (NM_001127510.3, NM_001354895.2, NM_001407450.1); c.6855A>T, p.Gly2285= (NM_001127511.3); c.6963A>T, p.Gly2321= (NM_001354896.2, NM_001407447.1, NM_001407448.1 and 1 more transcripts); c.6939A>T, p.Gly2313= (NM_001354897.2); c.6834A>T, p.Gly2278= (NM_001354898.2); c.6825A>T, p.Gly2275= (NM_001354899.2); c.6786A>T, p.Gly2262= (NM_001354900.2); c.6732A>T, p.Gly2244= (NM_001354901.2, NM_001407453.1); and 12 more.
Identifiers: ClinVar variation 3254140 (VCV003254140.5), dbSNP rs2533753251.